The following is an entry in ClinVar:

ClinVar aggregate classification (germline): Uncertain significance. Review status: criteria provided, multiple submitters, no conflicts (2 of 4 stars). 2 submissions from 2 submitters: Uncertain significance (2). Last evaluated 2025-09-02.

Conditions:
Episodic kinesigenic dyskinesia (EKD). Also called: Paroxysmal kinesigenic dyskinesia. Identifiers: Orphanet 98809, MedGen C1868682, MONDO:0044202.
Inborn genetic diseases. Identifiers: MedGen C0950123, MeSH D030342.

Allele frequency attached by ClinVar (database versions not stated): ExAC 0.00002; gnomAD exomes 0.00001.

Submissions (2):

Labcorp Genetics (formerly Invitae), Labcorp
Classification: Uncertain significance for Episodic kinesigenic dyskinesia. Last evaluated: 2025-09-02. Review status: criteria provided, single submitter. Criteria: Invitae Variant Classification Sherloc (09022015). Collection method: clinical testing. Allele origin: germline.
Comment: This sequence change replaces glutamine, which is neutral and polar, with histidine, which is basic and polar, at codon 157 of the PRRT2 protein (p.Gln157His). This variant is present in population databases (rs763214510, gnomAD 0.009%). This variant has not been reported in the literature in individuals affected with PRRT2-related conditions. ClinVar contains an entry for this variant (Variation ID: 2479556). Invitae Evidence Modeling of protein sequence and biophysical properties (such as structural, functional, and spatial information, amino acid conservation, physicochemical variation, residue mobility, and thermodynamic stability) indicates that this missense variant is not expected to disrupt PRRT2 protein function with a negative predictive value of 95%. In summary, the available evidence is currently insufficient to determine the role of this variant in disease. Therefore, it has been classified as a Variant of Uncertain Significance.

Ambry Genetics
Classification: Uncertain significance for Inborn genetic diseases. Last evaluated: 2023-01-26. Review status: criteria provided, single submitter. Criteria: Ambry Variant Classification Scheme 2023. Collection method: clinical testing. Allele origin: germline.

NM_145239.3(PRRT2):c.471A>C (p.Gln157His)

Genes: MVP-DT (MVP divergent transcript; minus strand), PRRT2 (proline rich transmembrane protein 2; plus strand). Cytogenetic location: 16p11.2.
Variant type: single nucleotide variant.
Coding change: c.471A>C on transcript NM_145239.3 (MANE Select); coding-DNA position 471, A replaced by C.
Protein change: p.Gln157His; replaces glutamine 157 with histidine.
Molecular consequence: missense variant.
Genome position (GRCh38, 1-based): chr16:29,813,525, A>C. VCF-style: chr16-29813525-A-C. GRCh37 (hg19) VCF-style: chr16-29824846-A-C.
Other names: c.471A>C, p.Gln157His (NM_001256442.2, NM_001256443.2); short protein forms Q157H.
Identifiers: ClinVar variation 2479556 (VCV002479556.5), dbSNP rs763214510, ClinGen allele CA7994532.